The following is an entry in ClinVar:

NM_000256.3(MYBPC3):c.1609G>T (p.Glu537Ter)

Gene: MYBPC3 (myosin binding protein C3; minus strand). Cytogenetic location: 11p11.2.
Variant type: single nucleotide variant.
Coding change: c.1609G>T on transcript NM_000256.3 (MANE Select); coding-DNA position 1609, G replaced by T.
Protein change: p.Glu537Ter; replaces glutamic acid 537 with a stop codon.
Molecular consequence: nonsense.
Genome position (GRCh38, 1-based): chr11:47,342,593, C>A on the plus strand (G>T on the coding strand, the complement: MYBPC3 is on the minus strand). VCF-style: chr11-47342593-C-A. GRCh37 (hg19) VCF-style: chr11-47364144-C-A.
Other names: short protein forms E537*.
Identifiers: ClinVar variation 1333510 (VCV001333510.7), dbSNP rs2142860830, ClinGen allele CA380325013.

ClinVar aggregate classification (germline): Pathogenic. Review status: criteria provided, multiple submitters, no conflicts (2 of 4 stars). 3 submissions from 3 submitters: Pathogenic (3). Last evaluated 2025-09-04.

Conditions:
Cardiovascular phenotype. Identifiers: MedGen CN230736.
Hypertrophic cardiomyopathy 4. Also called: Familial hypertrophic cardiomyopathy 4. Identifiers: MedGen C1861862, MONDO:0007268, OMIM 115197.
Hypertrophic cardiomyopathy. Also called: HYPERTROPHIC MYOCARDIOPATHY. Identifiers: Orphanet 217569, MedGen C0007194, MeSH D002312, MONDO:0005045, HP:0001639.

Submissions (3):

3billion
Classification: Pathogenic for Hypertrophic cardiomyopathy 4. Last evaluated: 2025-09-04. Review status: criteria provided, single submitter. Criteria: ACMG Guidelines, 2015. Collection method: clinical testing. Allele origin: germline. Affected: yes.
Comment: The variant is not observed in the gnomAD v4.1.0 dataset. Predicted Consequence/Location: Stop-gained (nonsense): predicted to result in a loss or disruption of normal protein function through nonsense-mediated decay (NMD) or protein truncation. Multiple pathogenic variants are reported downstream of the variant. The variant has been reported at least twice as pathogenic without evidence for the classification (ClinVar ID: VCV001333510 /3billion dataset). Therefore, this variant is classified as Pathogenic according to the recommendation of ACMG/AMP guideline.

Ambry Genetics
Classification: Pathogenic for Cardiovascular phenotype. Last evaluated: 2023-11-13. Review status: criteria provided, single submitter. Criteria: Ambry Variant Classification Scheme 2023. Collection method: clinical testing. Allele origin: germline.
Comment: The p.E537* pathogenic mutation (also known as c.1609G>T), located in coding exon 17 of the MYBPC3 gene, results from a G to T substitution at nucleotide position 1609. This changes the amino acid from a glutamic acid to a stop codon within coding exon 17. This variant is considered to be rare based on population cohorts in the Genome Aggregation Database (gnomAD). This alteration is expected to result in loss of function by premature protein truncation or nonsense-mediated mRNA decay. As such, this alteration is interpreted as a disease-causing mutation.

Labcorp Genetics (formerly Invitae), Labcorp
Classification: Pathogenic for Hypertrophic cardiomyopathy. Last evaluated: 2023-04-22. Review status: criteria provided, single submitter. Criteria: Invitae Variant Classification Sherloc (09022015). Collection method: clinical testing. Allele origin: germline.
Comment: For these reasons, this variant has been classified as Pathogenic. ClinVar contains an entry for this variant (Variation ID: 1333510). This variant has not been reported in the literature in individuals affected with MYBPC3-related conditions. This variant is not present in population databases (gnomAD no frequency). This sequence change creates a premature translational stop signal (p.Glu537*) in the MYBPC3 gene. It is expected to result in an absent or disrupted protein product. Loss-of-function variants in MYBPC3 are known to be pathogenic (PMID: 19574547).

Literature cited by the submitters: PubMed 19574547 (cited by Labcorp Genetics (formerly Invitae), Labcorp).